The following is an entry in ClinVar:

ClinVar aggregate classification (germline): Uncertain significance (1 of 4 stars; one submission).

Conditions:
Neurofibromatosis, type 1 (NF1). Also called: NEUROFIBROMATOSIS, TYPE I, SOMATIC; VON RECKLINGHAUSEN DISEASE; Peripheral type neurofibromatosis; Neurofibromatosis, type I. Identifiers: Orphanet 636, MedGen C0027831, MONDO:0018975, OMIM 162200. Disease mechanism: loss of function.

Submission:

Labcorp Genetics (formerly Invitae), Labcorp
Classification: Uncertain significance for Neurofibromatosis, type 1. Last evaluated: 2021-03-09. Review status: criteria provided, single submitter. Criteria: Invitae Variant Classification Sherloc (09022015). Collection method: clinical testing. Allele origin: germline.
Comment: In summary, the available evidence is currently insufficient to determine the role of this variant in disease. Therefore, it has been classified as a Variant of Uncertain Significance. Algorithms developed to predict the effect of missense changes on protein structure and function (SIFT, PolyPhen-2, Align-GVGD) all suggest that this variant is likely to be tolerated, but these predictions have not been confirmed by published functional studies and their clinical significance is uncertain. This sequence change replaces serine with phenylalanine at codon 137 of the NF1 protein (p.Ser137Phe). The serine residue is moderately conserved and there is a large physicochemical difference between serine and phenylalanine. This variant is not present in population databases (ExAC no frequency). This variant has not been reported in the literature in individuals with NF1-related conditions.

NM_001042492.3(NF1):c.410C>T (p.Ser137Phe)

Gene: NF1 (neurofibromin 1; plus strand). Cytogenetic location: 17q11.2.
Variant type: single nucleotide variant.
Coding change: c.410C>T on transcript NM_001042492.3 (MANE Select); coding-DNA position 410, C replaced by T.
Protein change: p.Ser137Phe; replaces serine 137 with phenylalanine.
Molecular consequence: missense variant.
Genome position (GRCh38, 1-based): chr17:31,163,307, C>T. VCF-style: chr17-31163307-C-T. GRCh37 (hg19) VCF-style: chr17-29490325-C-T.
Other names: c.410C>T, p.Ser137Phe (NM_000267.4, NM_001128147.3); short protein forms S137F.
Identifiers: ClinVar variation 1470892 (VCV001470892.8), dbSNP rs1597635932, ClinGen allele CA398981892.